The following is an entry in ClinVar:

NM_014727.3(KMT2B):c.3566G>A (p.Gly1189Asp)

Gene: KMT2B (lysine methyltransferase 2B; plus strand). Cytogenetic location: 19q13.12.
Variant type: single nucleotide variant.
Coding change: c.3566G>A on transcript NM_014727.3 (MANE Select); coding-DNA position 3566, G replaced by A.
Protein change: p.Gly1189Asp; replaces glycine 1189 with aspartic acid.
Molecular consequence: missense variant.
Genome position (GRCh38, 1-based): chr19:35,725,257, G>A. VCF-style: chr19-35725257-G-A. GRCh37 (hg19) VCF-style: chr19-36216158-G-A.
Other names: short protein forms G1189D.
Identifiers: ClinVar variation 4537680 (VCV004537680.1).
Genomic context (GRCh38, chr19:35,725,257, plus strand): 5'-TCCTGCATCCTCTCTTCCCCCAGGAGGATTGTGATTTAGAGAACGTGTGGCTGATGGGGG[G>A]CCTGAGTGTGCTCACCTCTGTGCCAGGGGGCCCCCCGATGGTGTGCTTGCTGTGTGCCAG-3'
Protein context (NP_055542.1, residues 1179-1199): CDLENVWLMG[Gly1189Asp]LSVLTSVPGG

ClinVar aggregate classification (germline): Uncertain significance (1 of 4 stars; one submission).

Submission:

GeneDx
Classification: Uncertain significance. Last evaluated: 2025-06-12. Review status: criteria provided, single submitter. Criteria: GeneDx Variant Classification Process June 2021. Collection method: clinical testing. Allele origin: germline. Affected: yes.
Comment: Not observed at significant frequency in large population cohorts (gnomAD); In silico analysis supports that this missense variant has a deleterious effect on protein structure/function; Has not been previously published as pathogenic or benign to our knowledge